The following is an entry in ClinVar:

NM_181503.3(EXOSC8):c.426C>T (p.Leu142=)

Gene: EXOSC8 (exosome component 8; plus strand). Cytogenetic location: 13q13.3.
Variant type: single nucleotide variant.
Coding change: c.426C>T on transcript NM_181503.3 (MANE Select); coding-DNA position 426, C replaced by T.
Protein change: p.Leu142=; no amino-acid change (leucine 142 retained).
Molecular consequence: synonymous variant.
Genome position (GRCh38, 1-based): chr13:37,007,010, C>T. VCF-style: chr13-37007010-C-T. GRCh37 (hg19) VCF-style: chr13-37581147-C-T.
Identifiers: ClinVar variation 783041 (VCV000783041.46), dbSNP rs148720041, ClinGen allele CA6951241.

ClinVar aggregate classification (germline): Benign/Likely benign. Review status: criteria provided, multiple submitters, no conflicts (2 of 4 stars). 4 submissions from 4 submitters: Benign (1); Likely benign (3). Last evaluated 2026-07-01.

Allele frequency attached by ClinVar (database versions not stated): 1000 Genomes Project 0.00100; 1000 Genomes Project 30x 0.00109; TOPMed 0.00172; ESP Exome Variant Server 0.00185; gnomAD 0.00189 and 0.00190; ExAC 0.00209; gnomAD exomes 0.00221 and 0.00277.
gnomAD v4.1: 4,317 of 1,612,968 alleles (0.27%); highest among the groups gnomAD compares: Non-Finnish European, 0.3%; 9 homozygotes.

Submissions (4):

CeGaT Center for Human Genetics Tuebingen
Classification: Likely benign. Last evaluated: 2026-07-01. Review status: criteria provided, single submitter. Criteria: CeGaT Center For Human Genetics Tuebingen Variant Classification Criteria Version 2. Collection method: clinical testing. Allele origin: germline. Affected: yes. Observed: 6 variant alleles.
Comment: EXOSC8: BP4, BP7

Labcorp Genetics (formerly Invitae), Labcorp
Classification: Benign. Last evaluated: 2026-01-05. Review status: criteria provided, single submitter. Criteria: Invitae Variant Classification Sherloc (09022015). Collection method: clinical testing. Allele origin: germline.

Blueprint Genetics
Classification: Likely benign. Last evaluated: 2024-11-27. Review status: criteria provided, single submitter. Criteria: ACMG Guidelines, 2015. Collection method: clinical testing. Allele origin: germline.

Breakthrough Genomics
Classification: Likely benign. Review status: criteria provided, single submitter. Criteria: ACMG Guidelines, 2015. Collection method: not provided. Allele origin: germline. Inheritance: Autosomal recessive inheritance. Affected: yes.